The following is an entry in ClinVar:

NM_017934.7(PHIP):c.4631-7G>A

Genes: IRAK1BP1 (interleukin 1 receptor associated kinase 1 binding protein 1; plus strand), PHIP (PHIP subunit of CUL4-Ring ligase complex; minus strand). Cytogenetic location: 6q14.1.
Variant type: single nucleotide variant.
Coding change: c.4631-7G>A on transcript NM_017934.7 (MANE Select); 7 bases into the intron before coding-DNA position 4631, G replaced by A.
Molecular consequence: intron variant.
Genome position (GRCh38, 1-based): chr6:78,945,504, C>T on the plus strand (G>A on the coding strand, the complement: PHIP is on the minus strand). VCF-style: chr6-78945504-C-T. GRCh37 (hg19) VCF-style: chr6-79655221-C-T.
Other names: c.4631-7G>A (NM_017934.6).
Identifiers: ClinVar variation 2871836 (VCV002871836.4), dbSNP rs755417146, ClinGen allele CA568599103.

ClinVar aggregate classification (germline): Likely benign. Review status: criteria provided, multiple submitters, no conflicts (2 of 4 stars). 2 submissions from 2 submitters: Likely benign (2). Last evaluated 2026-09-10.

Conditions:
PHIP-related disorder. Also called: PHIP-related condition; PHIP-related disorders.

Submissions (2):

PreventionGenetics, part of Exact Sciences
Classification: Likely benign for PHIP-related condition. Last evaluated: 2026-09-10. Review status: criteria provided, single submitter. Criteria: ACMG Guidelines, 2015. Collection method: clinical testing. Allele origin: germline.
Comment: This variant is classified as likely benign based on ACMG/AMP sequence variant interpretation guidelines (Richards et al. 2015 PMID: 25741868, with internal and published modifications).

Labcorp Genetics (formerly Invitae), Labcorp
Classification: Likely benign. Last evaluated: 2025-06-18. Review status: criteria provided, single submitter. Criteria: Invitae Variant Classification Sherloc (09022015). Collection method: clinical testing. Allele origin: germline.